The following is an entry in ClinVar:

ClinVar aggregate classification (germline): Pathogenic (1 of 4 stars; one submission).

Submission:

Labcorp Genetics (formerly Invitae), Labcorp
Classification: Pathogenic. Last evaluated: 2022-12-23. Review status: criteria provided, single submitter. Criteria: Invitae Variant Classification Sherloc (09022015). Collection method: clinical testing. Allele origin: germline.
Comment: For these reasons, this variant has been classified as Pathogenic. This variant disrupts a region of the EYS protein in which other variant(s) (p.Tyr3135*) have been determined to be pathogenic (PMID: 18976725, 29159838, 30337596, 31074760). This suggests that this is a clinically significant region of the protein, and that variants that disrupt it are likely to be disease-causing. This variant has not been reported in the literature in individuals affected with EYS-related conditions. This variant is not present in population databases (gnomAD no frequency). This sequence change creates a premature translational stop signal (p.Val2944Glyfs*31) in the EYS gene. While this is not anticipated to result in nonsense mediated decay, it is expected to disrupt the last 201 amino acid(s) of the EYS protein.

Literature cited by the submitters: PubMed 18976725; PubMed 29159838; PubMed 30337596; PubMed 31074760.

NM_001142800.2(EYS):c.8831del (p.Val2944fs)

Genes: EYS (EGF-like photoreceptor maintenance factor; minus strand), PHF3 (PHD finger protein 3; plus strand). Cytogenetic location: 6q12.
Variant type: Deletion.
Coding change: c.8831del on transcript NM_001142800.2 (MANE Select); coding-DNA position 8831, one base deleted (T; older notation c.8831delT).
Protein change: p.Val2944fs; shifts the reading frame from valine 2944.
Molecular consequence: frameshift variant. On other transcripts: 3 prime UTR variant (5).
Genome position (GRCh38, 1-based): chr6:63,721,200, A deleted on the plus strand (T on the coding strand, the reverse complement: EYS is on the minus strand). VCF-style (leftmost placement, unchanged base first): chr6-63721199-CA-C. GRCh37 (hg19) VCF-style: chr6-64431095-CA-C.
Other names: c.*7492del (NM_001290259.2, NM_001370348.2, NM_001370349.2 and 2 more transcripts); c.8894del, p.Val2965fs (NM_001292009.2); short protein forms V2944fs, V2965fs.
Identifiers: ClinVar variation 2823612 (VCV002823612.3), dbSNP rs2533389401, ClinGen allele CA2739273151.